The following is an entry in ClinVar:

NM_017617.5(NOTCH1):c.4294T>A (p.Phe1432Ile)

Gene: NOTCH1 (notch receptor 1; minus strand). Cytogenetic location: 9q34.3.
Variant type: single nucleotide variant.
Coding change: c.4294T>A on transcript NM_017617.5 (MANE Select); coding-DNA position 4294, T replaced by A.
Protein change: p.Phe1432Ile; replaces phenylalanine 1432 with isoleucine.
Molecular consequence: missense variant.
Genome position (GRCh38, 1-based): chr9:136,505,602, A>T on the plus strand (T>A on the coding strand, the complement: NOTCH1 is on the minus strand). VCF-style: chr9-136505602-A-T. GRCh37 (hg19) VCF-style: chr9-139400054-A-T.
Other names: short protein forms F1432I.
Identifiers: ClinVar variation 1029625 (VCV001029625.1), dbSNP rs1843069355, ClinGen allele CA375648427.

ClinVar aggregate classification (germline): Uncertain significance (1 of 4 stars; one submission).

Conditions:
Adams-Oliver syndrome 5 (AOS5). Identifiers: Orphanet 974, MedGen C4014970, MONDO:0014459, OMIM 616028.

Submission:

Baylor Genetics
Classification: Uncertain significance for Adams-Oliver syndrome 5. Last evaluated: 2020-01-23. Review status: criteria provided, single submitter. Criteria: ACMG Guidelines, 2015. Collection method: clinical testing. Allele origin: unknown. Affected: yes.
Comment: This variant was determined to be of uncertain significance according to ACMG Guidelines, 2015 [PMID:25741868].